The following is an entry in ClinVar:

ClinVar aggregate classification (germline): Uncertain significance. Review status: criteria provided, multiple submitters, no conflicts (2 of 4 stars). 2 submissions from 2 submitters: Uncertain significance (2). Last evaluated 2023-08-23.

Conditions:
Inborn genetic diseases. Identifiers: MedGen C0950123, MeSH D030342.
Neuropathy, hereditary sensory and autonomic, type 2A (HSAN2A). Also called: ACROOSTEOLYSIS, GIACCAI TYPE; ACROOSTEOLYSIS, NEUROGENIC; MORVAN DISEASE; NEUROPATHY, CONGENITAL SENSORY; NEUROPATHY, HEREDITARY SENSORY RADICULAR, AUTOSOMAL RECESSIVE; NEUROPATHY, HEREDITARY SENSORY, TYPE IIA. Identifiers: Orphanet 970, MedGen C2752089, MONDO:0024309, OMIM 201300.
Pseudohypoaldosteronism type 2C (PHA2C). Also called: Pseudohypoaldosteronism Type IIC. Identifiers: Orphanet 757, Orphanet 88940, MedGen C1840391, MONDO:0013778, OMIM 614492.

Allele frequency attached by ClinVar (database versions not stated): gnomAD exomes below 0.00001; gnomAD 0.00001.
gnomAD v4.1: 6 of 1,613,896 alleles (0.00037%); highest among the groups gnomAD compares: African/African-American, 0.0027%; no homozygotes.

Submissions (2):

Ambry Genetics
Classification: Uncertain significance for Inborn genetic diseases. Last evaluated: 2023-08-23. Review status: criteria provided, single submitter. Criteria: Ambry Variant Classification Scheme 2023. Collection method: clinical testing. Allele origin: germline.

Labcorp Genetics (formerly Invitae), Labcorp
Classification: Uncertain significance for Neuropathy, hereditary sensory and autonomic, type 2A; Pseudohypoaldosteronism type 2C. Last evaluated: 2023-06-21. Review status: criteria provided, single submitter. Criteria: Invitae Variant Classification Sherloc (09022015). Collection method: clinical testing. Allele origin: germline.
Comment: In summary, the available evidence is currently insufficient to determine the role of this variant in disease. Therefore, it has been classified as a Variant of Uncertain Significance. Advanced modeling of protein sequence and biophysical properties (such as structural, functional, and spatial information, amino acid conservation, physicochemical variation, residue mobility, and thermodynamic stability) performed at Invitae indicates that this missense variant is not expected to disrupt WNK1 protein function. ClinVar contains an entry for this variant (Variation ID: 1384383). This variant has not been reported in the literature in individuals affected with WNK1-related conditions. This variant is present in population databases (no rsID available, gnomAD 0.01%). This sequence change replaces proline, which is neutral and non-polar, with serine, which is neutral and polar, at codon 871 of the WNK1 protein (p.Pro871Ser).

NM_213655.5(WNK1):c.2611C>T (p.Pro871Ser)

Gene: WNK1 (WNK lysine deficient protein kinase 1; plus strand). Cytogenetic location: 12p13.33.
Variant type: single nucleotide variant.
Coding change: c.2611C>T on transcript NM_213655.5 (MANE Plus Clinical); coding-DNA position 2611, C replaced by T.
Protein change: p.Pro871Ser; replaces proline 871 with serine.
Molecular consequence: missense variant. On other transcripts: intron variant (2).
Genome position (GRCh38, 1-based): chr12:868,082, C>T. VCF-style: chr12-868082-C-T. GRCh37 (hg19) VCF-style: chr12-977248-C-T.
Other names: c.2356C>T, p.Pro786Ser (NM_001184985.2); c.2140-3183C>T (NM_018979.4, NM_014823.3); c.2611C>T (NM_213655.4); short protein forms P871S, P786S.
Identifiers: ClinVar variation 1384383 (VCV001384383.7), dbSNP rs1469789866, ClinGen allele CA383339240.